The following is an entry in ClinVar:

NM_004415.4(DSP):c.273+180G>T

Gene: DSP (desmoplakin; plus strand). Cytogenetic location: 6p24.3.
Variant type: single nucleotide variant.
Coding change: c.273+180G>T on transcript NM_004415.4 (MANE Select); 180 bases into the intron after coding-DNA position 273, G replaced by T.
Molecular consequence: intron variant.
Genome position (GRCh38, 1-based): chr6:7,556,000, G>T. VCF-style: chr6-7556000-G-T. GRCh37 (hg19) VCF-style: chr6-7556233-G-T.
Other names: c.273+180G>T (NM_001319034.2, NM_001008844.3).
Identifiers: ClinVar variation 675400 (VCV000675400.1), dbSNP rs74623709, ClinGen allele CA133948253.
Genomic context (GRCh38, chr6:7,556,000, plus strand): 5'-ACGCTTTTTCAGAACAGACTACAGAGAGATGTGTGTCTTCTTAACCTATTTGTAATGTTG[G>T]TTTAACAATGAGAACCAGCTTTCAGACAGTTCCCCGTCCCCCTCCCAACAAATGTTTACA-3'

ClinVar aggregate classification (germline): Benign (1 of 4 stars; one submission).

Allele frequency attached by ClinVar (database versions not stated): gnomAD 0.02053 and 0.02164; TOPMed 0.02267; 1000 Genomes Project 0.02396; 1000 Genomes Project 30x 0.02608.
gnomAD v4.1: 3,091 of 152,298 alleles (2%); highest among the groups gnomAD compares: African/African-American, 7%; 96 homozygotes.

Submission:

GeneDx
Classification: Benign. Last evaluated: 2018-06-14. Review status: criteria provided, single submitter. Criteria: GeneDx Variant Classification (06012015). Collection method: clinical testing. Allele origin: germline. Affected: yes.
Comment: This variant is considered likely benign or benign based on one or more of the following criteria: it is a conservative change, it occurs at a poorly conserved position in the protein, it is predicted to be benign by multiple in silico algorithms, and/or has population frequency not consistent with disease.